The following is an entry in ClinVar:

NM_000256.3(MYBPC3):c.669G>A (p.Glu223=)

Gene: MYBPC3 (myosin binding protein C3; minus strand). Cytogenetic location: 11p11.2.
Variant type: single nucleotide variant.
Coding change: c.669G>A on transcript NM_000256.3 (MANE Select); coding-DNA position 669, G replaced by A.
Protein change: p.Glu223=; no amino-acid change (glutamic acid 223 retained).
Molecular consequence: synonymous variant.
Genome position (GRCh38, 1-based): chr11:47,348,527, C>T on the plus strand (G>A on the coding strand, the complement: MYBPC3 is on the minus strand). VCF-style: chr11-47348527-C-T. GRCh37 (hg19) VCF-style: chr11-47370078-C-T.
Identifiers: ClinVar variation 923008 (VCV000923008.7), dbSNP rs778582048, ClinGen allele CA056421.

ClinVar aggregate classification (germline): Likely benign. Review status: criteria provided, multiple submitters, no conflicts (2 of 4 stars). 4 submissions from 4 submitters: Likely benign (4). Last evaluated 2024-08-05.

Conditions:
Cardiomyopathy (CMYO). Also called: Cardiomyopathies. Identifiers: Orphanet 167848, MedGen C0878544, MONDO:0004994, HP:0001638. Inheritance: Various modes of inheritance.
Hypertrophic cardiomyopathy. Also called: HYPERTROPHIC MYOCARDIOPATHY. Identifiers: Orphanet 217569, MedGen C0007194, MeSH D002312, MONDO:0005045, HP:0001639.

Allele frequency attached by ClinVar (database versions not stated): gnomAD exomes 0.00002 and 0.00003; ExAC 0.00006.
gnomAD v4.1: 13 of 1,612,594 alleles (0.00081%); highest among the groups gnomAD compares: Non-Finnish European, 0.001%; no homozygotes.

Submissions (4):

Labcorp Genetics (formerly Invitae), Labcorp
Classification: Likely benign for Hypertrophic cardiomyopathy. Last evaluated: 2024-08-05. Review status: criteria provided, single submitter. Criteria: Invitae Variant Classification Sherloc (09022015). Collection method: clinical testing. Allele origin: germline.

All of Us Research Program, National Institutes of Health
Classification: Likely benign for Hypertrophic cardiomyopathy. Last evaluated: 2023-05-04. Review status: criteria provided, single submitter. Criteria: ACMG Guidelines, 2015. Collection method: clinical testing. Allele origin: germline. Inheritance: Autosomal dominant inheritance. Observed: 1 variant allele, 1 heterozygote.
Comment: This study involves interpretation of variants in research participants for the purpose of population health screening. Participant phenotype was not available at the time of variant classification. Additional details can be found in publication PMID: 35346344, PMCID: PMC8962531

Color Diagnostics, LLC DBA Color Health
Classification: Likely benign for Cardiomyopathy. Last evaluated: 2019-09-09. Review status: criteria provided, single submitter. Criteria: ACMG Guidelines, 2015. Collection method: clinical testing. Allele origin: germline.

Blueprint Genetics
Classification: Likely benign. Last evaluated: 2017-08-04. Review status: criteria provided, single submitter. Criteria: ACMG Guidelines, 2015. Collection method: clinical testing. Allele origin: germline.